The following is an entry in ClinVar:

ClinVar aggregate classification (germline): Uncertain significance. Review status: criteria provided, multiple submitters, no conflicts (2 of 4 stars). 2 submissions from 2 submitters: Uncertain significance (2). Last evaluated 2025-10-18.

Allele frequency attached by ClinVar (database versions not stated): gnomAD 0.00006; TOPMed 0.00006; ESP Exome Variant Server 0.00008.

Submissions (2):

Ambry Genetics
Classification: Uncertain significance. Last evaluated: 2025-10-18. Review status: criteria provided, single submitter. Criteria: Ambry Variant Classification Scheme 2023. Collection method: clinical testing. Allele origin: germline.

Labcorp Genetics (formerly Invitae), Labcorp
Classification: Uncertain significance. Last evaluated: 2025-04-28. Review status: criteria provided, single submitter. Criteria: Invitae Variant Classification Sherloc (09022015). Collection method: clinical testing. Allele origin: germline.
Comment: This sequence change replaces serine, which is neutral and polar, with leucine, which is neutral and non-polar, at codon 95 of the APOA4 protein (p.Ser95Leu). This variant is present in population databases (rs142176503, gnomAD 0.03%). This variant has not been reported in the literature in individuals affected with APOA4-related conditions. ClinVar contains an entry for this variant (Variation ID: 2223994). Invitae Evidence Modeling of protein sequence and biophysical properties (such as structural, functional, and spatial information, amino acid conservation, physicochemical variation, residue mobility, and thermodynamic stability) indicates that this missense variant is expected to disrupt APOA4 protein function with a positive predictive value of 80%. In summary, the available evidence is currently insufficient to determine the role of this variant in disease. Therefore, it has been classified as a Variant of Uncertain Significance.

NM_000482.4(APOA4):c.284C>T (p.Ser95Leu)

Gene: APOA4 (apolipoprotein A4; minus strand). Cytogenetic location: 11q23.3.
Variant type: single nucleotide variant.
Coding change: c.284C>T on transcript NM_000482.4 (MANE Select); coding-DNA position 284, C replaced by T.
Protein change: p.Ser95Leu; replaces serine 95 with leucine.
Molecular consequence: missense variant.
Genome position (GRCh38, 1-based): chr11:116,821,774, G>A on the plus strand (C>T on the coding strand, the complement: APOA4 is on the minus strand). VCF-style: chr11-116821774-G-A. GRCh37 (hg19) VCF-style: chr11-116692490-G-A.
Other names: short protein forms S95L.
Identifiers: ClinVar variation 2223994 (VCV002223994.4), dbSNP rs142176503, ClinGen allele CA6289467.